The following is an entry in ClinVar:

ClinVar aggregate classification (germline): Uncertain significance (1 of 4 stars; one submission).

Conditions:
MACF1-related disorder. Also called: MACF1-related condition.

gnomAD v4.1: 15 of 1,612,436 alleles (0.00093%); highest among the groups gnomAD compares: Non-Finnish European, 0.0012%; no homozygotes.

Submission:

PreventionGenetics, part of Exact Sciences
Classification: Uncertain significance for MACF1-related condition. Last evaluated: 2025-10-17. Review status: criteria provided, single submitter. Criteria: ACMG Guidelines, 2015. Collection method: clinical testing. Allele origin: germline.
Comment: The MACF1 c.11117A>T variant is predicted to result in the amino acid substitution p.Asp3706Val. To our knowledge, this variant has not been reported in the literature. This variant is reported in 0.0035% of alleles in individuals of European (Non-Finnish) descent in gnomAD. At this time, the clinical significance of this variant is uncertain due to the absence of conclusive functional and genetic evidence.

NM_001394062.1(MACF1):c.17303A>T (p.Asp5768Val)

Gene: MACF1 (microtubule actin crosslinking factor 1; plus strand). Cytogenetic location: 1p34.3.
Variant type: single nucleotide variant.
Coding change: c.17303A>T on transcript NM_001394062.1 (MANE Select); coding-DNA position 17303, A replaced by T.
Protein change: p.Asp5768Val; replaces aspartic acid 5768 with valine.
Molecular consequence: missense variant.
Genome position (GRCh38, 1-based): chr1:39,430,874, A>T. VCF-style: chr1-39430874-A-T. GRCh37 (hg19) VCF-style: chr1-39896546-A-T.
Other names: c.5372A>T, p.Asp1791Val (NM_001397473.1); c.11117A>T, p.Asp3706Val (NM_012090.5); short protein forms D5768V, D3706V, D1791V.
Identifiers: ClinVar variation 4983343 (VCV004983343.1).